The following is an entry in ClinVar:

NM_001853.4(COL9A3):c.1108-7C>T

Gene: COL9A3 (collagen type IX alpha 3 chain; plus strand). Cytogenetic location: 20q13.33.
Variant type: single nucleotide variant.
Coding change: c.1108-7C>T on transcript NM_001853.4 (MANE Select); 7 bases into the intron before coding-DNA position 1108, C replaced by T.
Molecular consequence: intron variant.
Genome position (GRCh38, 1-based): chr20:62,829,759, C>T. VCF-style: chr20-62829759-C-T. GRCh37 (hg19) VCF-style: chr20-61461111-C-T.
Other names: c.1108-7C>T (NM_001853.3).
Identifiers: ClinVar variation 2031654 (VCV002031654.5), dbSNP rs1486893861, ClinGen allele CA636336176.

ClinVar aggregate classification (germline): Likely benign. Review status: criteria provided, multiple submitters, no conflicts (2 of 4 stars). 2 submissions from 2 submitters: Likely benign (2). Last evaluated 2024-12-12.

Conditions:
COL9A3-related disorder. Also called: COL9A3-related condition.

Allele frequency attached by ClinVar (database versions not stated): gnomAD exomes below 0.00001; gnomAD 0.00001; TOPMed 0.00001.
gnomAD v4.1: 4 of 1,591,186 alleles (0.00025%); highest among the groups gnomAD compares: African/African-American, 0.004%; no homozygotes.

Submissions (2):

PreventionGenetics, part of Exact Sciences
Classification: Likely benign for COL9A3-related condition. Last evaluated: 2024-12-12. Review status: criteria provided, single submitter. Criteria: ACMG Guidelines, 2015. Collection method: clinical testing. Allele origin: germline.
Comment: This variant is classified as likely benign based on ACMG/AMP sequence variant interpretation guidelines (Richards et al. 2015 PMID: 25741868, with internal and published modifications).

Labcorp Genetics (formerly Invitae), Labcorp
Classification: Likely benign. Last evaluated: 2022-09-21. Review status: criteria provided, single submitter. Criteria: Invitae Variant Classification Sherloc (09022015). Collection method: clinical testing. Allele origin: germline.